The following is an entry in ClinVar:

NM_000059.4(BRCA2):c.9777del (p.Ile3259fs)

Gene: BRCA2 (BRCA2 DNA repair associated; plus strand). Cytogenetic location: 13q13.1.
Variant type: Deletion.
Coding change: c.9777del on transcript NM_000059.4 (MANE Select); coding-DNA position 9777, one base deleted (T; older notation c.9777delT).
Protein change: p.Ile3259fs; shifts the reading frame from isoleucine 3259.
Molecular consequence: frameshift variant.
Genome position (GRCh38, 1-based): chr13:32,398,290, T deleted; the last of 2 consecutive T bases (chr13:32,398,289-32,398,290); deleting either gives the same sequence. VCF-style (leftmost placement, unchanged base first): chr13-32398288-AT-A. GRCh37 (hg19) VCF-style: chr13-32972425-AT-A.
Other names: c.9777delT (NM_000059.3); c.9777del (NM_000059.3); short protein forms I3259fs.
Identifiers: ClinVar variation 667416 (VCV000667416.20), dbSNP rs1593201815, ClinGen allele CA913188612.

ClinVar aggregate classification (germline): Pathogenic/Likely pathogenic. Review status: criteria provided, multiple submitters, no conflicts (2 of 4 stars). 5 submissions from 5 submitters: Pathogenic (4); Likely pathogenic (1). Last evaluated 2026-01-20.

Conditions:
Familial cancer of breast. Also called: BREAST CANCER, FAMILIAL; hereditary breast carcinoma; Hereditary breast cancer. Identifiers: Orphanet 227535, MedGen C0346153, MONDO:0016419, OMIM 114480. Disease mechanism: loss of function.
Hereditary breast ovarian cancer syndrome. Also called: BRCA1- and BRCA2-Associated Hereditary Breast and Ovarian Cancer; Breast and ovarian cancer; Hereditary breast and ovarian cancer syndrome (HBOC); Hereditary breast and ovarian cancer; Hereditary breast and ovarian cancer syndrome; Hereditary breast and/or ovarian cancer syndrome. Identifiers: Orphanet 145, MedGen C0677776, MeSH D061325, MONDO:0003582. Disease mechanism: loss of function.
Hereditary cancer-predisposing syndrome. Also called: Tumor predisposition; Hereditary neoplastic syndrome; Neoplastic Syndromes, Hereditary; Hereditary Cancer Syndrome. Identifiers: Orphanet 140162, MedGen C0027672, MeSH D009386, MONDO:0015356.

Submissions (5):

GeneDx
Classification: Pathogenic. Last evaluated: 2026-01-20. Review status: criteria provided, single submitter. Criteria: GeneDx Variant Classification Process June 2021. Collection method: clinical testing. Allele origin: germline. Affected: yes.
Comment: Frameshift variant predicted to result in protein truncation in a gene for which loss of function is a known mechanism of disease; Has not been previously published as pathogenic or benign to our knowledge; Not observed at significant frequency in large population cohorts (gnomAD); Truncating variants in this gene are considered pathogenic by a well-established clinical consortium and/or database; Also known as 10005del; This variant is associated with the following publications: (PMID: 30646163, 31447099)

Ambry Genetics
Classification: Pathogenic for Hereditary cancer-predisposing syndrome. Last evaluated: 2023-05-01. Review status: criteria provided, single submitter. Criteria: Ambry Variant Classification Scheme 2023. Collection method: clinical testing. Allele origin: germline.
Comment: The c.9777delT pathogenic mutation, located in coding exon 26 of the BRCA2 gene, results from a deletion of one nucleotide at nucleotide position 9777, causing a translational frameshift with a predicted alternate stop codon (p.I3259Mfs*16). This alteration has been reported in an unaffected individual from an unselected population cohort (Manickam K et al. JAMA Netw Open, 2018 Sep;1:e182140). This alteration occurs at the 3' terminus of theBRCA2 gene, is not expected to trigger nonsense-mediated mRNA decay, and only impacts the last 160 amino acids of the protein. However, premature stop codons are typically deleterious in nature and the impacted region is critical for protein function (Ambry internal data). This variant is considered to be rare based on population cohorts in the Genome Aggregation Database (gnomAD). Based on the supporting evidence, this alteration is interpreted as a disease-causing mutation.

Baylor Genetics
Classification: Likely pathogenic for Familial cancer of breast. Last evaluated: 2023-01-04. Review status: criteria provided, single submitter. Criteria: ACMG Guidelines, 2015. Collection method: clinical testing. Allele origin: unknown.

Labcorp Genetics (formerly Invitae), Labcorp
Classification: Pathogenic for Hereditary breast ovarian cancer syndrome. Last evaluated: 2021-10-08. Review status: criteria provided, single submitter. Criteria: Invitae Variant Classification Sherloc (09022015). Collection method: clinical testing. Allele origin: germline.
Comment: This sequence change creates a premature translational stop signal (p.Ile3259Metfs*16) in the BRCA2 gene. While this is not anticipated to result in nonsense mediated decay, it is expected to disrupt the last 160 amino acid(s) of the BRCA2 protein. For these reasons, this variant has been classified as Pathogenic. This variant disrupts a region of the BRCA2 protein in which other variant(s) (p.Tyr3308*) have been determined to be pathogenic (PMID: 17026620, 18593900, 18607349, 22711857). This suggests that this is a clinically significant region of the protein, and that variants that disrupt it are likely to be disease-causing. ClinVar contains an entry for this variant (Variation ID: 667416). This variant has not been reported in the literature in individuals affected with BRCA2-related conditions. This variant is not present in population databases (ExAC no frequency).

Laboratory for Molecular Medicine, Mass General Brigham Personalized Medicine
Classification: Pathogenic for Hereditary breast ovarian cancer syndrome. Last evaluated: 2019-02-26. Review status: criteria provided, single submitter. Criteria: LMM Criteria. Collection method: clinical testing. Allele origin: germline. Inheritance: Autosomal dominant inheritance. Observed: 1 variant allele.
Comment: The p.Ile3259MetfsX16 variant in BRCA2 has not been previously reported in individuals with BRCA2-associated cancers or in large population studies. This variant is predicted to cause a frameshift, which alters the proteinâ€™s amino acid sequence beginning at position 3259 and leads to a premature termination codon 16 amino acids downstream. This termination codon occurs within the last exon and is more likely to escape nonsense mediated decay (NMD), resulting in a truncated protein. However, loss of function variants 3' to this variant have been reported in patients with hereditary breast and/or ovarian cancer (HBOC) and have been classified as pathogenic by an expert panel in ClinVar. In summary the p.Ile3259MetfsX16 variant meets criteria to be classified as pathogenic for HBOC in an autosomal dominant manner, based upon predicted impact to the protein and absence from the general population. ACMG/AMP criteria applied: PSV1_Strong, PM2.

Literature cited by the submitters: PubMed 30646163 (cited by Ambry Genetics); PubMed 17026620 (cited by Labcorp Genetics (formerly Invitae), Labcorp); PubMed 18593900 (cited by Labcorp Genetics (formerly Invitae), Labcorp); PubMed 18607349 (cited by Labcorp Genetics (formerly Invitae), Labcorp); PubMed 22711857 (cited by Labcorp Genetics (formerly Invitae), Labcorp).